The following is an entry in ClinVar:

NM_000883.4(IMPDH1):c.255-7G>C

Gene: IMPDH1 (inosine monophosphate dehydrogenase 1; minus strand). Cytogenetic location: 7q32.1.
Variant type: single nucleotide variant.
Coding change: c.255-7G>C on transcript NM_000883.4 (MANE Select); 7 bases into the intron before coding-DNA position 255, G replaced by C.
Molecular consequence: intron variant. On other transcripts: 5 prime UTR variant (3).
Genome position (GRCh38, 1-based): chr7:128,405,872, C>G on the plus strand (G>C on the coding strand, the complement: IMPDH1 is on the minus strand). VCF-style: chr7-128405872-C-G. GRCh37 (hg19) VCF-style: chr7-128045926-C-G.
Other names: c.-8G>C (NM_001142573.2, NM_001142574.2, NM_001142575.2); c.147-2118G>C (NM_001304521.2); c.147-7G>C (NM_183243.3); c.225-7G>C (NM_001102605.2); c.255-2118G>C (NM_001142576.2).
Identifiers: ClinVar variation 4990577 (VCV004990577.1).
Genomic context (GRCh38, chr7:128,405,872, plus strand): 5'-AGCCCATCCTCGGGCACGTAGCCGGTGCCGCCGCTGATCAGGTAGTCCGCCATGCTGCCG[C>G]GAGACCCCGCGACCCGACATAAACACCCGCGCGGCCGCCCGCCGCTGCCGCCGCTGCTGC-3'

ClinVar aggregate classification (germline): Likely benign (1 of 4 stars; one submission).

Conditions:
IMPDH1-related disorder. Also called: IMPDH1-related disorders; IMPDH1-related condition.

Submission:

PreventionGenetics, part of Exact Sciences
Classification: Likely benign for IMPDH1-related condition. Last evaluated: 2025-03-26. Review status: criteria provided, single submitter. Criteria: ACMG Guidelines, 2015. Collection method: clinical testing. Allele origin: germline.
Comment: This variant is classified as likely benign based on ACMG/AMP sequence variant interpretation guidelines (Richards et al. 2015 PMID: 25741868, with internal and published modifications).